The following is an entry in ClinVar:

ClinVar aggregate classification (germline): Pathogenic (1 of 4 stars; one submission).

Submission:

Labcorp Genetics (formerly Invitae), Labcorp
Classification: Pathogenic. Last evaluated: 2022-08-16. Review status: criteria provided, single submitter. Criteria: Invitae Variant Classification Sherloc (09022015). Collection method: clinical testing. Allele origin: germline.
Comment: For these reasons, this variant has been classified as Pathogenic. ClinVar contains an entry for this variant (Variation ID: 1455893). This variant has not been reported in the literature in individuals affected with DCHS1-related conditions. This variant is not present in population databases (gnomAD no frequency). This sequence change creates a premature translational stop signal (p.Gln769*) in the DCHS1 gene. It is expected to result in an absent or disrupted protein product. Loss-of-function variants in DCHS1 are known to be pathogenic (PMID: 24056717, 26258302).

Literature cited by the submitters: PubMed 24056717; PubMed 26258302.

NM_003737.4(DCHS1):c.2305C>T (p.Gln769Ter)

Gene: DCHS1 (dachsous cadherin-related 1; minus strand). Cytogenetic location: 11p15.4.
Variant type: single nucleotide variant.
Coding change: c.2305C>T on transcript NM_003737.4 (MANE Select); coding-DNA position 2305, C replaced by T.
Protein change: p.Gln769Ter; replaces glutamine 769 with a stop codon.
Molecular consequence: nonsense.
Genome position (GRCh38, 1-based): chr11:6,633,562, G>A on the plus strand (C>T on the coding strand, the complement: DCHS1 is on the minus strand). VCF-style: chr11-6633562-G-A. GRCh37 (hg19) VCF-style: chr11-6654793-G-A.
Other names: short protein forms Q769*.
Identifiers: ClinVar variation 1455893 (VCV001455893.6), dbSNP rs2134633522, ClinGen allele CA379422460.